The following is an entry in ClinVar:

ClinVar aggregate classification (germline): Likely benign. Review status: criteria provided, multiple submitters, no conflicts (2 of 4 stars). 2 submissions from 2 submitters: Likely benign (2). Last evaluated 2025-10-01.

Allele frequency attached by ClinVar (database versions not stated): 1000 Genomes Project 0.00240; 1000 Genomes Project 30x 0.00297; gnomAD 0.00349; ESP Exome Variant Server 0.00359; TOPMed 0.00362; gnomAD exomes 0.00512; ExAC 0.00570.

Submissions (2):

CeGaT Center for Human Genetics Tuebingen
Classification: Likely benign. Last evaluated: 2025-10-01. Review status: criteria provided, single submitter. Criteria: CeGaT Center For Human Genetics Tuebingen Variant Classification Criteria Version 2. Collection method: clinical testing. Allele origin: germline. Affected: yes. Observed: 10 variant alleles.
Comment: DSPP: BP4, BP7, BS2

Blueprint Genetics
Classification: Likely benign. Last evaluated: 2024-11-26. Review status: criteria provided, single submitter. Criteria: ACMG Guidelines, 2015. Collection method: clinical testing. Allele origin: germline.

NM_014208.3(DSPP):c.2547C>T (p.Asp849=)

Genes: DMP1-AS1 (DMP1 and DSPP antisense RNA 1; minus strand), DSPP (dentin sialophosphoprotein; plus strand). Cytogenetic location: 4q22.1.
Variant type: single nucleotide variant.
Coding change: c.2547C>T on transcript NM_014208.3 (MANE Select); coding-DNA position 2547, C replaced by T.
Protein change: p.Asp849=; no amino-acid change (aspartic acid 849 retained).
Molecular consequence: synonymous variant.
Genome position (GRCh38, 1-based): chr4:87,615,209, C>T. VCF-style: chr4-87615209-C-T. GRCh37 (hg19) VCF-style: chr4-88536361-C-T.
Identifiers: ClinVar variation 2578965 (VCV002578965.26), dbSNP rs193084230, ClinGen allele CA3001265.